The following is an entry in ClinVar:

ClinVar aggregate classification (germline): Pathogenic (1 of 4 stars; one submission).

Conditions:
Immunodeficiency, common variable, 2 (CVID2). Also called: HYPOGAMMAGLOBULINEMIA DUE TO TACI DEFICIENCY; ANTIBODY DEFICIENCY DUE TO TACI DEFECT. Identifiers: Orphanet 1572, MedGen C3150354, MONDO:0009413, OMIM 240500.

Submission:

Labcorp Genetics (formerly Invitae), Labcorp
Classification: Pathogenic for Immunodeficiency, common variable, 2. Last evaluated: 2024-02-08. Review status: criteria provided, single submitter. Criteria: Invitae Variant Classification Sherloc (09022015). Collection method: clinical testing. Allele origin: germline.
Comment: This sequence change creates a premature translational stop signal (p.Leu83Cysfs*9) in the TNFRSF13B gene. It is expected to result in an absent or disrupted protein product. Loss-of-function variants in TNFRSF13B are known to be pathogenic (PMID: 16007087, 27123465). This variant is present in population databases (no rsID available, gnomAD 0.0009%). This premature translational stop signal has been observed in individual(s) with common variable immunodeficiency (PMID: 33859323). For these reasons, this variant has been classified as Pathogenic.

Literature cited by the submitters: PubMed 16007087; PubMed 27123465; PubMed 33859323.

NM_012452.3(TNFRSF13B):c.246_265del (p.Leu83fs)

Gene: TNFRSF13B (TNF receptor superfamily member 13B; minus strand). Cytogenetic location: 17p11.2.
Variant type: Deletion.
Coding change: c.246_265del on transcript NM_012452.3 (MANE Select); coding-DNA positions 246 to 265, 20 bases deleted (CCTGAGGGACTGCATCAGCT).
Protein change: p.Leu83fs; shifts the reading frame from leucine 83.
Molecular consequence: frameshift variant.
Genome position (GRCh38, 1-based): chr17:16,948,918-16,948,937, AGCTGATGCAGTCCCTCAGG deleted on the plus strand (CCTGAGGGACTGCATCAGCT on the coding strand, the reverse complement: TNFRSF13B is on the minus strand); deleting any 20 consecutive bases within chr17:16,948,918-16,948,939 gives the same sequence; the c. name uses the placement nearest the transcript's 3' end. VCF-style (leftmost placement, unchanged base first): chr17-16948917-CAGCTGATGCAGTCCCTCAGG-C. GRCh37 (hg19) VCF-style: chr17-16852231-CAGCTGATGCAGTCCCTCAGG-C.
Other names: short protein forms L83fs.
Identifiers: ClinVar variation 3677153 (VCV003677153.2).